The following is an entry in ClinVar:

ClinVar aggregate classification (germline): Uncertain significance (1 of 4 stars; one submission).

Conditions:
Paroxysmal nonkinesigenic dyskinesia. Also called: Paroxysmal non-kinesigenic dyskinesia. Identifiers: Orphanet 98810, MedGen C1869117, MONDO:0700088.

Allele frequency attached by ClinVar (database versions not stated): gnomAD exomes below 0.00001; TOPMed below 0.00001.
gnomAD v4.1: 1 of 1,586,086 alleles (0.000063%); highest among the groups gnomAD compares: Non-Finnish European, 0.000086%; no homozygotes.

Submission:

Labcorp Genetics (formerly Invitae), Labcorp
Classification: Uncertain significance for Paroxysmal nonkinesigenic dyskinesia. Last evaluated: 2023-05-22. Review status: criteria provided, single submitter. Criteria: Invitae Variant Classification Sherloc (09022015). Collection method: clinical testing. Allele origin: germline.
Comment: In summary, the available evidence is currently insufficient to determine the role of this variant in disease. Therefore, it has been classified as a Variant of Uncertain Significance. Advanced modeling of protein sequence and biophysical properties (such as structural, functional, and spatial information, amino acid conservation, physicochemical variation, residue mobility, and thermodynamic stability) performed at Invitae indicates that this missense variant is not expected to disrupt PNKD protein function. ClinVar contains an entry for this variant (Variation ID: 1431633). This variant has not been reported in the literature in individuals affected with PNKD-related conditions. This variant is not present in population databases (gnomAD no frequency). This sequence change replaces aspartic acid, which is acidic and polar, with asparagine, which is neutral and polar, at codon 199 of the PNKD protein (p.Asp199Asn).

NM_015488.5(PNKD):c.595G>A (p.Asp199Asn)

Genes: PNKD (PNKD metallo-beta-lactamase domain containing; plus strand), CATIP-AS2 (CATIP antisense RNA 2; minus strand). Cytogenetic location: 2q35.
Variant type: single nucleotide variant.
Coding change: c.595G>A on transcript NM_015488.5 (MANE Select); coding-DNA position 595, G replaced by A.
Protein change: p.Asp199Asn; replaces aspartic acid 199 with asparagine.
Molecular consequence: missense variant.
Genome position (GRCh38, 1-based): chr2:218,341,604, G>A. VCF-style: chr2-218341604-G-A. GRCh37 (hg19) VCF-style: chr2-219206327-G-A.
Other names: c.523G>A, p.Asp175Asn (NM_022572.5); short protein forms D175N, D199N.
Identifiers: ClinVar variation 1431633 (VCV001431633.6), dbSNP rs1694679310, ClinGen allele CA350540671.